The following is an entry in ClinVar:

NM_007294.4(BRCA1):c.880A>G (p.Lys294Glu)

Gene: BRCA1 (BRCA1 DNA repair associated; minus strand). Cytogenetic location: 17q21.31.
Variant type: single nucleotide variant.
Coding change: c.880A>G on transcript NM_007294.4 (MANE Select); coding-DNA position 880, A replaced by G.
Protein change: p.Lys294Glu; replaces lysine 294 with glutamic acid.
Molecular consequence: missense variant. On other transcripts: 5 prime UTR variant (2), intron variant (137).
Genome position (GRCh38, 1-based): chr17:43,094,651, T>C on the plus strand (A>G on the coding strand, the complement: BRCA1 is on the minus strand). VCF-style: chr17-43094651-T-C. GRCh37 (hg19) VCF-style: chr17-41246668-T-C.
Other names: c.667A>G, p.Lys223Glu (NM_001407571.1, NM_001407853.1, NM_001407894.1 and 9 more transcripts); c.880A>G, p.Lys294Glu (NM_001407581.1, NM_001407582.1, NM_001407583.1 and 30 more transcripts); c.877A>G, p.Lys293Glu (NM_001407587.1, NM_001407590.1, NM_001407591.1 and 22 more transcripts); c.871A>G, p.Lys291Glu (NM_001407646.1, NM_001407647.1); c.757A>G, p.Lys253Glu (NM_001407648.1, NM_001407664.1, NM_001407665.1 and 19 more transcripts); c.754A>G, p.Lys252Glu (NM_001407649.1, NM_001407670.1, NM_001407671.1 and 11 more transcripts); c.802A>G, p.Lys268Glu (NM_001407653.1, NM_001407654.1, NM_001407655.1 and 4 more transcripts); c.799A>G, p.Lys267Glu (NM_001407659.1, NM_001407660.1, NM_001407661.1 and 1 more transcripts); and 40 more; short protein forms K294E, K247E, K126E, K183E, K252E, K253E, K167E, K182E.
Identifiers: ClinVar variation 629376 (VCV000629376.9), dbSNP rs1567801705, ClinGen allele CA10600317.
Genomic context (GRCh38, chr17:43,094,651, plus strand): 5'-CTAAGCCAGGCTGTTTGCTTTTATTACAGAATTCAGCCTTTTCTACATTCATTCTGTCTT[T>C]AGTGAGTAATAAACTGCTGTTCTCATGCTGTAATGAGCTGGCATGAGTATTTGTGCCACA-3'
Protein context (NP_009225.1, residues 284-304): QHENSSLLLT[Lys294Glu]DRMNVEKAEF

ClinVar aggregate classification (germline): Conflicting classifications of pathogenicity. Review status: criteria provided, conflicting classifications (1 of 4 stars). 4 submissions from 4 submitters: Uncertain significance (3); Likely benign (1). Last evaluated 2025-09-08.

Conditions:
Hereditary cancer-predisposing syndrome. Also called: Neoplastic Syndromes, Hereditary; Tumor predisposition; Hereditary neoplastic syndrome; Hereditary Cancer Syndrome. Identifiers: Orphanet 140162, MedGen C0027672, MeSH D009386, MONDO:0015356.
Hereditary breast ovarian cancer syndrome. Also called: Hereditary breast and ovarian cancer syndrome; Hereditary breast and ovarian cancer; Hereditary breast and ovarian cancer syndrome (HBOC); Breast and ovarian cancer; Hereditary breast and/or ovarian cancer syndrome; BRCA1- and BRCA2-Associated Hereditary Breast and Ovarian Cancer. Identifiers: Orphanet 145, MedGen C0677776, MeSH D061325, MONDO:0003582. Disease mechanism: loss of function.

Submissions (4):

Ambry Genetics
Classification: Uncertain significance for Hereditary cancer-predisposing syndrome. Last evaluated: 2025-09-08. Review status: criteria provided, single submitter. Criteria: Ambry Variant Classification Scheme 2023. Collection method: clinical testing. Allele origin: germline.
Comment: The p.K294E variant (also known as c.880A>G), located in coding exon 9 of the BRCA1 gene, results from an A to G substitution at nucleotide position 880. The lysine at codon 294 is replaced by glutamic acid, an amino acid with similar properties. This amino acid position is not well conserved in available vertebrate species, and glutamic acid is the reference amino acid in other vertebrate species. In addition, the in silico prediction for this alteration is inconclusive. Based on the available evidence, the clinical significance of this variant remains unclear.

Labcorp Genetics (formerly Invitae), Labcorp
Classification: Uncertain significance for Hereditary breast ovarian cancer syndrome. Last evaluated: 2024-09-11. Review status: criteria provided, single submitter. Criteria: Invitae Variant Classification Sherloc (09022015). Collection method: clinical testing. Allele origin: germline.
Comment: This sequence change replaces lysine, which is basic and polar, with glutamic acid, which is acidic and polar, at codon 294 of the BRCA1 protein (p.Lys294Glu). This variant is not present in population databases (gnomAD no frequency). This variant has not been reported in the literature in individuals affected with BRCA1-related conditions. ClinVar contains an entry for this variant (Variation ID: 629376). Invitae Evidence Modeling of protein sequence and biophysical properties (such as structural, functional, and spatial information, amino acid conservation, physicochemical variation, residue mobility, and thermodynamic stability) indicates that this missense variant is not expected to disrupt BRCA1 protein function with a negative predictive value of 95%. In summary, the available evidence is currently insufficient to determine the role of this variant in disease. Therefore, it has been classified as a Variant of Uncertain Significance.

University of Washington Department of Laboratory Medicine, University of Washington
Classification: Likely benign for Hereditary cancer-predisposing syndrome. Last evaluated: 2023-03-23. Review status: criteria provided, single submitter. Criteria: Dines et al. (Genet Med. 2020). Collection method: curation. Allele origin: germline.
Comment: Missense variant in a coldspot region where missense variants are very unlikely to be pathogenic (PMID:31911673).

BRCA1 coldspot (exon 11 using historical exon numbering). Reclassification based on statistical prior probability

Color Diagnostics, LLC DBA Color Health
Classification: Uncertain significance for Hereditary cancer-predisposing syndrome. Last evaluated: 2019-04-18. Review status: criteria provided, single submitter. Criteria: ACMG Guidelines, 2015. Collection method: clinical testing. Allele origin: germline.